The following is an entry in ClinVar:

ClinVar aggregate classification (germline): Benign. Review status: criteria provided, multiple submitters, no conflicts (2 of 4 stars). 2 submissions from 2 submitters: Benign (2). Last evaluated 2018-06-14.

Allele frequency attached by ClinVar (database versions not stated): 1000 Genomes Project 30x 0.00968; 1000 Genomes Project 0.01018; TOPMed 0.01647; gnomAD 0.02012 and 0.02071.

Submissions (10):

GeneDx
Classification: Benign. Last evaluated: 2018-06-14. Review status: criteria provided, single submitter. Criteria: GeneDx Variant Classification (06012015). Collection method: clinical testing. Allele origin: germline. Affected: yes.
Comment: This variant is considered likely benign or benign based on one or more of the following criteria: it is a conservative change, it occurs at a poorly conserved position in the protein, it is predicted to be benign by multiple in silico algorithms, and/or has population frequency not consistent with disease.

Breakthrough Genomics
Classification: Benign. Review status: criteria provided, single submitter. Criteria: ACMG Guidelines, 2015. Collection method: not provided. Allele origin: germline. Inheritance: Autosomal dominant inheritance. Affected: yes.

Dr. Peter K. Rogan Lab, Western University
No classification provided (evidence only). Condition: Cervical cancer. Review status: no classification provided. Collection method: in vitro. Allele origin: not applicable. Functional consequence: retained intron. Not counted in ClinVar's aggregate classification.

Dr. Peter K. Rogan Lab, Western University
No classification provided (evidence only). Condition: Sarcoma. Review status: no classification provided. Collection method: in vitro. Allele origin: not applicable. Functional consequence: retained intron. Not counted in ClinVar's aggregate classification.

Dr. Peter K. Rogan Lab, Western University
No classification provided (evidence only). Condition: Sarcoma. Review status: no classification provided. Collection method: in vitro. Allele origin: not applicable. Functional consequence: retained intron. Not counted in ClinVar's aggregate classification.

Dr. Peter K. Rogan Lab, Western University
No classification provided (evidence only). Condition: Ovarian serous cystadenocarcinoma. Review status: no classification provided. Collection method: in vitro. Allele origin: not applicable. Functional consequence: retained intron. Not counted in ClinVar's aggregate classification.

Dr. Peter K. Rogan Lab, Western University
No classification provided (evidence only). Condition: Ovarian serous cystadenocarcinoma. Review status: no classification provided. Collection method: in vitro. Allele origin: not applicable. Functional consequence: retained intron. Not counted in ClinVar's aggregate classification.

Dr. Peter K. Rogan Lab, Western University
No classification provided (evidence only). Condition: Ovarian serous cystadenocarcinoma. Review status: no classification provided. Collection method: in vitro. Allele origin: not applicable. Functional consequence: retained intron. Not counted in ClinVar's aggregate classification.

Dr. Peter K. Rogan Lab, Western University
No classification provided (evidence only). Condition: Ovarian serous cystadenocarcinoma. Review status: no classification provided. Collection method: in vitro. Allele origin: not applicable. Functional consequence: retained intron. Not counted in ClinVar's aggregate classification.

Dr. Peter K. Rogan Lab, Western University
No classification provided (evidence only). Condition: Gastric cancer. Review status: no classification provided. Collection method: in vitro. Allele origin: not applicable. Functional consequence: retained intron. Not counted in ClinVar's aggregate classification.

NM_001271.4(CHD2):c.5153+124C>G

Gene: CHD2 (chromodomain helicase DNA binding protein 2; plus strand). Cytogenetic location: 15q26.1.
Variant type: single nucleotide variant.
Coding change: c.5153+124C>G on transcript NM_001271.4 (MANE Select); 124 bases into the intron after coding-DNA position 5153, C replaced by G.
Molecular consequence: intron variant.
Genome position (GRCh38, 1-based): chr15:93,020,382, C>G. VCF-style: chr15-93020382-C-G. GRCh37 (hg19) VCF-style: chr15-93563612-C-G.
Other names: NC_000015.9:g.93563612C>G.
Identifiers: ClinVar variation 677304 (VCV000677304.3), dbSNP rs72647790, ClinGen allele CA274888532.